The following is an entry in ClinVar:

NM_031935.3(HMCN1):c.9412C>T (p.Arg3138Trp)

Gene: HMCN1 (hemicentin 1; plus strand). Cytogenetic location: 1q31.1.
Variant type: single nucleotide variant.
Coding change: c.9412C>T on transcript NM_031935.3 (MANE Select); coding-DNA position 9412, C replaced by T.
Protein change: p.Arg3138Trp; replaces arginine 3138 with tryptophan.
Molecular consequence: missense variant.
Genome position (GRCh38, 1-based): chr1:186,087,980, C>T. VCF-style: chr1-186087980-C-T. GRCh37 (hg19) VCF-style: chr1-186057112-C-T.
Other names: short protein forms R3138W.
Identifiers: ClinVar variation 1923087 (VCV001923087.5), dbSNP rs187753126, ClinGen allele CA1293408.

ClinVar aggregate classification (germline): Uncertain significance (1 of 4 stars; one submission).

Allele frequency attached by ClinVar (database versions not stated): ExAC 0.00001; TOPMed 0.00001; gnomAD 0.00002.

Submission:

Labcorp Genetics (formerly Invitae), Labcorp
Classification: Uncertain significance. Last evaluated: 2024-08-10. Review status: criteria provided, single submitter. Criteria: Invitae Variant Classification Sherloc (09022015). Collection method: clinical testing. Allele origin: germline.
Comment: This sequence change replaces arginine, which is basic and polar, with tryptophan, which is neutral and slightly polar, at codon 3138 of the HMCN1 protein (p.Arg3138Trp). This variant is present in population databases (rs187753126, gnomAD 0.005%). This variant has not been reported in the literature in individuals affected with HMCN1-related conditions. ClinVar contains an entry for this variant (Variation ID: 1923087). An algorithm developed to predict the effect of missense changes on protein structure and function (PolyPhen-2) suggests that this variant is likely to be disruptive. Algorithms developed to predict the effect of sequence changes on RNA splicing suggest that this variant may disrupt the consensus splice site. In summary, the available evidence is currently insufficient to determine the role of this variant in disease. Therefore, it has been classified as a Variant of Uncertain Significance.